The following is an entry in ClinVar:

ClinVar aggregate classification (germline): Uncertain significance. Review status: criteria provided, multiple submitters, no conflicts (2 of 4 stars). 3 submissions from 3 submitters: Uncertain significance (2). 1 of the submissions does not count toward it. Last evaluated 2024-01-25.

Conditions:
Chondrodysplasia punctata, brachytelephalangic, autosomal. Also called: BRACHYTELEPHALANGIC CHONDRODYSPLASIA PUNCTATA. Identifiers: MedGen C1844853, MONDO:0011238, OMIM 602497.
X-linked chondrodysplasia punctata 1 (CDPX1). Also called: CHONDRODYSPLASIA PUNCTATA, BRACHYTELEPHALANGIC; Chondrodysplasia punctata, X-linked recessive. Identifiers: Orphanet 79345, MedGen C3669395, MONDO:0010555, OMIM 302950.

Allele frequency attached by ClinVar (database versions not stated): ExAC 0.00004; gnomAD exomes 0.00007 and 0.00009; gnomAD 0.00004; TOPMed 0.00005.
gnomAD v4.1: 100 of 1,210,446 alleles (0.0083%); highest among the groups gnomAD compares: Non-Finnish European, 0.01%; 1 homozygote.

Submissions (3):

Labcorp Genetics (formerly Invitae), Labcorp
Classification: Uncertain significance for Chondrodysplasia punctata, brachytelephalangic, autosomal. Last evaluated: 2024-01-25. Review status: criteria provided, single submitter. Criteria: Invitae Variant Classification Sherloc (09022015). Collection method: clinical testing. Allele origin: germline.
Comment: This sequence change replaces arginine, which is basic and polar, with serine, which is neutral and polar, at codon 12 of the ARSE protein (p.Arg12Ser). This variant is present in population databases (rs122460151, gnomAD 0.02%). This missense change has been observed in individual(s) with chondrodysplasia punctata (PMID: 7720070). ClinVar contains an entry for this variant (Variation ID: 11522). An algorithm developed to predict the effect of missense changes on protein structure and function (PolyPhen-2) suggests that this variant¬†is likely to be tolerated. Experimental studies have shown that this missense change does not substantially affect ARSE function (PMID: 9497243). Algorithms developed to predict the effect of sequence changes on RNA splicing suggest that this variant may create or strengthen a splice site. In summary, the available evidence is currently insufficient to determine the role of this variant in disease. Therefore, it has been classified as a Variant of Uncertain Significance.

Genetic Services Laboratory, University of Chicago
Classification: Uncertain significance for Chondrodysplasia punctata 1, X-linked recessive. Last evaluated: 2013-02-08. Review status: criteria provided, single submitter. Criteria: ACMG Guidelines, 2007. Collection method: clinical testing. Allele origin: germline. Inheritance: X-linked inheritance.

OMIM
Classification: Pathogenic for CHONDRODYSPLASIA PUNCTATA 1, X-LINKED RECESSIVE. Last evaluated: 1998-03-01. Review status: no assertion criteria provided. Collection method: literature only. Allele origin: germline. Not counted in ClinVar's aggregate classification.

Literature cited by the submitters: PubMed 7720070 (cited by Labcorp Genetics (formerly Invitae), Labcorp and OMIM); PubMed 9497243 (cited by Labcorp Genetics (formerly Invitae), Labcorp and OMIM).

NM_000047.3(ARSL):c.36G>C (p.Arg12Ser)

Gene: ARSL (arylsulfatase L; minus strand). Cytogenetic location: Xp22.33.
Variant type: single nucleotide variant.
Coding change: c.36G>C on transcript NM_000047.3 (MANE Select); coding-DNA position 36, G replaced by C.
Protein change: p.Arg12Ser; replaces arginine 12 with serine.
Molecular consequence: missense variant. On other transcripts: intron variant (1).
Genome position (GRCh38, 1-based): chrX:2,958,423, C>G on the plus strand (G>C on the coding strand, the complement: ARSL is on the minus strand). VCF-style: chrX-2958423-C-G. GRCh37 (hg19) VCF-style: chrX-2876464-C-G.
Other names: c.111G>C, p.Arg37Ser (NM_001282628.2, NM_001369080.1); c.63G>C, p.Arg21Ser (NM_001369079.1); c.23+1955G>C (NM_001282631.2); short protein forms R12S, R37S, R21S.
Identifiers: ClinVar variation 11522 (VCV000011522.8), dbSNP rs122460151, ClinGen allele CA255919.
Genomic context (GRCh38, chrX:2,958,423, plus strand): 5'-GTCGCTGGAAGCTGATGGTGCCAAACTTAGCAGTACAGCGAGCATCGCTGGCAGCCAGCT[C>G]CTGAAACACAAACTGTCAGAGACTGCGTCATGCTCCTGTCCATCTCATTTGCAGAACTTG-3'
Protein context (NP_000038.2, residues 2-22): LHLHHSCLCF[Arg12Ser]SWLPAMLAVL